The following is an entry in ClinVar:

NM_005630.3(SLCO2A1):c.847C>T (p.Pro283Ser)

Gene: SLCO2A1 (solute carrier organic anion transporter family member 2A1; minus strand). Cytogenetic location: 3q22.1.
Variant type: single nucleotide variant.
Coding change: c.847C>T on transcript NM_005630.3 (MANE Select); coding-DNA position 847, C replaced by T.
Protein change: p.Pro283Ser; replaces proline 283 with serine.
Molecular consequence: missense variant.
Genome position (GRCh38, 1-based): chr3:133,951,222, G>A on the plus strand (C>T on the coding strand, the complement: SLCO2A1 is on the minus strand). VCF-style: chr3-133951222-G-A. GRCh37 (hg19) VCF-style: chr3-133670066-G-A.
Other names: c.847C>T (NM_005630.2); short protein forms P283S.
Identifiers: ClinVar variation 1591627 (VCV001591627.11), dbSNP rs79619371, ClinGen allele CA2626685.
Genomic context (GRCh38, chr3:133,951,222, plus strand): 5'-TTTCTTCAACTCCATCAGGTAGAGTCATGGGCTCTTGGAACCTTACCTTTGCTCCTATGG[G>A]CATTGCTCGAGGGAAGAAAAAAAAGGGGAAAGAGGTGAGAACCAATAAAGCTGAAGAAAT-3'
Protein context (NP_005621.2, residues 273-293): FPFFFFPRAM[Pro283Ser]IGAKRAPATA

ClinVar aggregate classification (germline): Benign/Likely benign. Review status: criteria provided, multiple submitters, no conflicts (2 of 4 stars). 3 submissions from 3 submitters: Benign (1); Likely benign (1). 1 of the submissions does not count toward it. Last evaluated 2026-02-01.

Conditions:
SLCO2A1-related disorder. Also called: SLCO2A1-related condition.

Allele frequency attached by ClinVar (database versions not stated): 1000 Genomes Project 0.00040; 1000 Genomes Project 30x 0.00047; TOPMed 0.00092; gnomAD 0.00106 and 0.00108; ESP Exome Variant Server 0.00108; ExAC 0.00190.
gnomAD v4.1: 2,461 of 1,613,998 alleles (0.15%); highest among the groups gnomAD compares: Non-Finnish European, 0.19%; 1 homozygote.

Submissions (3):

Labcorp Genetics (formerly Invitae), Labcorp
Classification: Benign. Last evaluated: 2026-02-01. Review status: criteria provided, single submitter. Criteria: Invitae Variant Classification Sherloc (09022015). Collection method: clinical testing. Allele origin: germline.

Blueprint Genetics
Classification: Likely benign. Last evaluated: 2024-11-13. Review status: criteria provided, single submitter. Criteria: ACMG Guidelines, 2015. Collection method: clinical testing. Allele origin: germline.

PreventionGenetics, part of Exact Sciences
Classification: Likely benign for SLCO2A1-related condition. Last evaluated: 2023-04-14. Review status: no assertion criteria provided. Collection method: clinical testing. Allele origin: germline. Not counted in ClinVar's aggregate classification.
Comment: This variant is classified as likely benign based on ACMG/AMP sequence variant interpretation guidelines (Richards et al. 2015 PMID: 25741868, with internal and published modifications).